The following is an entry in ClinVar:

NM_000303.3(PMM2):c.284del (p.Leu95fs)

Gene: PMM2 (phosphomannomutase 2; plus strand). Cytogenetic location: 16p13.2.
Variant type: Deletion.
Coding change: c.284del on transcript NM_000303.3 (MANE Select); coding-DNA position 284, one base deleted (T; older notation c.284delT).
Protein change: p.Leu95fs; shifts the reading frame from leucine 95.
Molecular consequence: frameshift variant.
Genome position (GRCh38, 1-based): chr16:8,806,344, T deleted. VCF-style (leftmost placement, unchanged base first): chr16-8806343-CT-C. GRCh37 (hg19) VCF-style: chr16-8900200-CT-C.
Other names: short protein forms L95fs.
Identifiers: ClinVar variation 632265 (VCV000632265.14), dbSNP rs757865122, ClinGen allele CA7893992.
Genomic context (GRCh38, chr16:8,806,343, plus strand): 5'-AAATCAAGTAACTCAAGTATTTTCTTCATCTAGAATATTCAAAGTCATCTGGGTGAGGCC[CT>C]AATCCAAGATTTAATCAACTACTGTCTGAGCTACATTGCGAAAATTAAACTCCCGAAGAA-3'

ClinVar aggregate classification (germline): Pathogenic/Likely pathogenic. Review status: criteria provided, multiple submitters, no conflicts (2 of 4 stars). 3 submissions from 3 submitters: Pathogenic (2); Likely pathogenic (1). Last evaluated 2025-10-17.

Conditions:
PMM2-congenital disorder of glycosylation. Also called: PHOSPHOMANNOMUTASE 2 DEFICIENCY; CARBOHYDRATE-DEFICIENT GLYCOPROTEIN SYNDROME, TYPE Ia; PMM2-CDG; Congenital disorder of glycosylation, type Ia; CDG Ia; JAEKEN SYNDROME. Identifiers: Orphanet 79318, MedGen C0349653, MONDO:0008907, OMIM 212065.

Allele frequency attached by ClinVar (database versions not stated): TOPMed below 0.00001; ExAC 0.00001; gnomAD exomes 0.00001 and 0.00002; ESP Exome Variant Server 0.00008.

Submissions (3):

Natera, Inc.
Classification: Likely pathogenic for Congenital disorder of glycosylation type 1a. Last evaluated: 2025-10-17. Review status: criteria provided, single submitter. Criteria: Natera Variant Classification Schema (03/2026). Collection method: clinical testing. Allele origin: germline.
Comment: The c.284delT variant in PMM2 is a frameshift variant predicted to shift the reading frame beginning at codon 95 and leads to a stop codon 5 codons downstream. This variant is expected to result in nonsense mediated decay, truncation, or a dysfunctional protein product. This variant is rare in the general population with a frequency below the threshold expected for the associated phenotype(s). Given the available evidence, this variant is classified as Likely Pathogenic.

Baylor Genetics
Classification: Pathogenic for PMM2-congenital disorder of glycosylation. Last evaluated: 2024-02-13. Review status: criteria provided, single submitter. Criteria: ACMG Guidelines, 2015. Collection method: clinical testing. Allele origin: unknown.

Labcorp Genetics (formerly Invitae), Labcorp
Classification: Pathogenic for PMM2-congenital disorder of glycosylation. Last evaluated: 2023-12-21. Review status: criteria provided, single submitter. Criteria: Invitae Variant Classification Sherloc (09022015). Collection method: clinical testing. Allele origin: germline.
Comment: This sequence change creates a premature translational stop signal (p.Leu95Glnfs*5) in the PMM2 gene. It is expected to result in an absent or disrupted protein product. Loss-of-function variants in PMM2 are known to be pathogenic (PMID: 19862844). This variant is present in population databases (rs757865122, gnomAD 0.003%). This variant has not been reported in the literature in individuals affected with PMM2-related conditions. ClinVar contains an entry for this variant (Variation ID: 632265). Algorithms developed to predict the effect of sequence changes on RNA splicing suggest that this variant may disrupt the consensus splice site. For these reasons, this variant has been classified as Pathogenic.

Literature cited by the submitters: PubMed 19862844 (cited by Labcorp Genetics (formerly Invitae), Labcorp).